The following is an entry in ClinVar:

NM_000038.6(APC):c.1667A>C (p.Asp556Ala)

Gene: APC (APC regulator of Wnt signaling pathway; plus strand). Cytogenetic location: 5q22.2.
Variant type: single nucleotide variant.
Coding change: c.1667A>C on transcript NM_000038.6 (MANE Select); coding-DNA position 1667, A replaced by C.
Protein change: p.Asp556Ala; replaces aspartic acid 556 with alanine.
Molecular consequence: missense variant.
Genome position (GRCh38, 1-based): chr5:112,828,896, A>C. VCF-style: chr5-112828896-A-C. GRCh37 (hg19) VCF-style: chr5-112164593-A-C.
Other names: c.1667A>C, p.Asp556Ala (NM_001127510.3, NM_001354895.2); c.1613A>C, p.Asp538Ala (NM_001127511.3); c.1721A>C, p.Asp574Ala (NM_001354896.2); c.1697A>C, p.Asp566Ala (NM_001354897.2); c.1592A>C, p.Asp531Ala (NM_001354898.2); c.1583A>C, p.Asp528Ala (NM_001354899.2); c.1544A>C, p.Asp515Ala (NM_001354900.2); c.1490A>C, p.Asp497Ala (NM_001354901.2); and 6 more; short protein forms D273A, D455A, D465A, D531A, D515A, D574A, D430A, D538A.
Identifiers: ClinVar variation 1486499 (VCV001486499.7), dbSNP rs111423620, ClinGen allele CA16024949.

ClinVar aggregate classification (germline): Uncertain significance. Review status: criteria provided, multiple submitters, no conflicts (2 of 4 stars). 2 submissions from 2 submitters: Uncertain significance (2). Last evaluated 2026-05-12.

Conditions:
Hereditary cancer-predisposing syndrome. Also called: Tumor predisposition; Neoplastic Syndromes, Hereditary; Hereditary Cancer Syndrome; Hereditary neoplastic syndrome. Identifiers: Orphanet 140162, MedGen C0027672, MeSH D009386, MONDO:0015356.
Familial adenomatous polyposis 1 (FAP1). Also called: FAMILIAL ADENOMATOUS POLYPOSIS 1, ATTENUATED; POLYPOSIS, ADENOMATOUS INTESTINAL. Identifiers: MedGen C2713442, MONDO:0021056, OMIM 175100. Disease mechanism: loss of function.

Submissions (2):

Ambry Genetics
Classification: Uncertain significance for Hereditary cancer-predisposing syndrome. Last evaluated: 2026-05-12. Review status: criteria provided, single submitter. Criteria: Ambry Variant Classification Scheme 2023. Collection method: clinical testing. Allele origin: germline.
Comment: The p.D556A variant (also known as c.1667A>C), located in coding exon 13 of the APC gene, results from an A to C substitution at nucleotide position 1667. The aspartic acid at codon 556 is replaced by alanine, an amino acid with dissimilar properties. This amino acid position is highly conserved in available vertebrate species. In addition, in silico predictors for this gene do not accurately predict pathogenicity. Missense variants in APC are not a common cause of disease (Spier I et al. Genet Med. 2024 Feb;26(2):100992). Based on the available evidence, the clinical significance of this variant remains unclear.

Labcorp Genetics (formerly Invitae), Labcorp
Classification: Uncertain significance for Familial adenomatous polyposis 1. Last evaluated: 2023-02-14. Review status: criteria provided, single submitter. Criteria: Invitae Variant Classification Sherloc (09022015). Collection method: clinical testing. Allele origin: germline.
Comment: This variant has not been reported in the literature in individuals affected with APC-related conditions. In summary, the available evidence is currently insufficient to determine the role of this variant in disease. Therefore, it has been classified as a Variant of Uncertain Significance. Advanced modeling of protein sequence and biophysical properties (such as structural, functional, and spatial information, amino acid conservation, physicochemical variation, residue mobility, and thermodynamic stability) performed at Invitae indicates that this missense variant is not expected to disrupt APC protein function. ClinVar contains an entry for this variant (Variation ID: 1486499). This variant is not present in population databases (gnomAD no frequency). This sequence change replaces aspartic acid, which is acidic and polar, with alanine, which is neutral and non-polar, at codon 556 of the APC protein (p.Asp556Ala).